The following is an entry in ClinVar:

NM_022437.3(ABCG8):c.1061G>C (p.Arg354Pro)

Gene: ABCG8 (ATP binding cassette subfamily G member 8; plus strand). Cytogenetic location: 2p21.
Variant type: single nucleotide variant.
Coding change: c.1061G>C on transcript NM_022437.3 (MANE Select); coding-DNA position 1061, G replaced by C.
Protein change: p.Arg354Pro; replaces arginine 354 with proline.
Molecular consequence: missense variant.
Genome position (GRCh38, 1-based): chr2:43,872,072, G>C. VCF-style: chr2-43872072-G-C. GRCh37 (hg19) VCF-style: chr2-44099211-G-C.
Other names: c.1061G>C, p.Arg354Pro (NM_001357321.2); short protein forms R354P.
Identifiers: ClinVar variation 3227766 (VCV003227766.2), dbSNP rs142346631, ClinGen allele CA46465138.

ClinVar aggregate classification (germline): Uncertain significance. Review status: criteria provided, multiple submitters, no conflicts (2 of 4 stars). 2 submissions from 2 submitters: Uncertain significance (2). Last evaluated 2024-01-23.

Conditions:
Cardiovascular phenotype. Identifiers: MedGen CN230736.
Sitosterolemia 1. Identifiers: MedGen C2749759, MONDO:0020747, OMIM 210250.

Allele frequency attached by ClinVar (database versions not stated): ESP Exome Variant Server 0.00008.

Submissions (2):

Ambry Genetics
Classification: Uncertain significance for Cardiovascular phenotype. Last evaluated: 2024-01-23. Review status: criteria provided, single submitter. Criteria: Ambry Variant Classification Scheme 2023. Collection method: clinical testing. Allele origin: germline.
Comment: The p.R354P variant (also known as c.1061G>C), located in coding exon 7 of the ABCG8 gene, results from a G to C substitution at nucleotide position 1061. The arginine at codon 354 is replaced by proline, an amino acid with dissimilar properties. This amino acid position is conserved. In addition, this alteration is predicted to be tolerated by in silico analysis. Based on the available evidence, the clinical significance of this alteration remains unclear.

Revvity Omics, Revvity
Classification: Uncertain significance for Sitosterolemia 1. Last evaluated: 2024-01-17. Review status: criteria provided, single submitter. Criteria: ACMG Guidelines, 2015. Collection method: clinical testing. Allele origin: germline.